The following is an entry in ClinVar:

NM_000455.5(STK11):c.863-14C>T

Gene: STK11 (serine/threonine kinase 11; plus strand). Cytogenetic location: 19p13.3.
Variant type: single nucleotide variant.
Coding change: c.863-14C>T on transcript NM_000455.5 (MANE Select); 14 bases into the intron before coding-DNA position 863, C replaced by T.
Molecular consequence: intron variant.
Genome position (GRCh38, 1-based): chr19:1,221,935, C>T. VCF-style: chr19-1221935-C-T. GRCh37 (hg19) VCF-style: chr19-1221934-C-T.
Identifiers: ClinVar variation 378678 (VCV000378678.19), dbSNP rs756001994, ClinGen allele CA049320.

ClinVar aggregate classification (germline): Likely benign. Review status: criteria provided, multiple submitters, no conflicts (2 of 4 stars). 9 submissions from 9 submitters: Likely benign (8). 1 of the submissions does not count toward it. Last evaluated 2026-01-25.

Conditions:
Hereditary cancer-predisposing syndrome. Also called: Hereditary Cancer Syndrome; Hereditary neoplastic syndrome; Tumor predisposition; Neoplastic Syndromes, Hereditary. Identifiers: Orphanet 140162, MedGen C0027672, MeSH D009386, MONDO:0015356.
Peutz-Jeghers syndrome (PJS). Also called: POLYPOSIS, HAMARTOMATOUS INTESTINAL; POLYPS-AND-SPOTS SYNDROME; Peutz-Jeghers polyposis; Periorificial lentiginosis syndrome. Identifiers: Orphanet 2869, MedGen C0031269, MeSH D010580, MONDO:0008280, OMIM 175200.
Malignant tumor of breast. Also called: Malignant breast neoplasm; Cancer breast. Identifiers: MedGen C0006142, MONDO:0007254. Disease mechanism: loss of function.

Allele frequency attached by ClinVar (database versions not stated): ExAC 0.00005; gnomAD exomes 0.00006; TOPMed 0.00006; gnomAD 0.00008 and 0.00009.
gnomAD v4.1: 51 of 1,551,914 alleles (0.0033%); highest among the groups gnomAD compares: African/African-American, 0.014%; no homozygotes.

Submissions (9):

Labcorp Genetics (formerly Invitae), Labcorp
Classification: Likely benign for Peutz-Jeghers syndrome. Last evaluated: 2026-01-25. Review status: criteria provided, single submitter. Criteria: Invitae Variant Classification Sherloc (09022015). Collection method: clinical testing. Allele origin: germline.

Myriad Genetics, Inc.
Classification: Likely benign for Peutz-Jeghers syndrome. Last evaluated: 2025-03-27. Review status: criteria provided, single submitter. Criteria: Myriad Autosomal Dominant, Autosomal Recessive and X-Linked Classification Criteria (2023). Collection method: clinical testing. Allele origin: unknown.
Comment: This variant is considered likely benign. This variant is intronic and is not expected to impact mRNA splicing.

Center for Genomic Medicine, Rigshospitalet, Copenhagen University Hospital
Classification: Likely benign. Last evaluated: 2025-03-04. Review status: criteria provided, single submitter. Criteria: ACMG Guidelines, 2015. Collection method: clinical testing. Allele origin: germline.

Blueprint Genetics
Classification: Likely benign. Last evaluated: 2024-01-04. Review status: criteria provided, single submitter. Criteria: ACMG Guidelines, 2015. Collection method: clinical testing. Allele origin: germline.

All of Us Research Program, National Institutes of Health
Classification: Likely benign for Peutz-Jeghers syndrome. Last evaluated: 2023-12-01. Review status: criteria provided, single submitter. Criteria: ACMG Guidelines, 2015. Collection method: clinical testing. Allele origin: germline. Inheritance: Autosomal dominant inheritance. Observed: 8 variant alleles, 8 heterozygotes.
Comment: This study involves interpretation of variants in research participants for the purpose of population health screening. Participant phenotype was not available at the time of variant classification. Additional details can be found in publication PMID: 35346344, PMCID: PMC8962531

KCCC/NGS Laboratory, Kuwait Cancer Control Center
Classification: Likely benign for Peutz-Jeghers syndrome. Last evaluated: 2023-07-07. Review status: criteria provided, single submitter. Criteria: ACMG Guidelines, 2015. Collection method: clinical testing. Allele origin: germline. Affected: yes.

Color Diagnostics, LLC DBA Color Health
Classification: Likely benign for Hereditary cancer-predisposing syndrome. Last evaluated: 2016-04-18. Review status: criteria provided, single submitter. Criteria: ACMG Guidelines, 2015. Collection method: clinical testing. Allele origin: germline.

GeneDx
Classification: Likely benign. Last evaluated: 2015-11-17. Review status: criteria provided, single submitter. Criteria: GeneDx Variant Classification (06012015). Collection method: clinical testing. Allele origin: germline. Affected: yes.
Comment: This variant is considered likely benign or benign based on one or more of the following criteria: it is a conservative change, it occurs at a poorly conserved position in the protein, it is predicted to be benign by multiple in silico algorithms, and/or has population frequency not consistent with disease.

Department of Pathology and Laboratory Medicine, Sinai Health System
Classification: Likely benign for Malignant tumor of breast. Review status: no assertion criteria provided. Collection method: clinical testing. Allele origin: unknown. Affected: yes. Study: The Canadian Open Genetics Repository (COGR). Not counted in ClinVar's aggregate classification.
Comment: The STK11 c.863-14C>T variant was not identified in the literature, nor was it identified in the Cosmic, LOVD 3.0, Zhejiang University Database, or Insight Hereditary Tumors databases. The variant was identified in dbSNP (ID: rs756001994 as "With Likely benign, Uncertain significance allele") and in ClinVar (2x as likely benign by GeneDx and Color Genomics). The variant was identified in control databases in 12 of 181762 chromosomes at a frequency of 0.00007 (Genome Aggregation Database Feb 27, 2017). The variant was observed in the following populations: African in 4 of 16456 chromosomes (freq: 0.0002), Other in 1 of 4832 chromosomes (freq: 0.0002), Latino in 3 of 25082 chromosomes (freq: 0.0001), European in 2 of 73216 chromosomes (freq: 0.00003), East Asian in 1 of 12088 chromosomes (freq: 0.00008), and South Asian in 1 of 22908 chromosomes (freq: 0.00004), while the variant was not observed in the Ashkenazi Jewish or Finnish populations. The variant occurs outside of the splicing consensus sequence and in silico or computational prediction software programs (SpliceSiteFinder, MaxEntScan, NNSPLICE, GeneSplicer, HumanSpliceFinder) do not predict a difference in splicing. In summary, based on the above information the clinical significance of this variant cannot be determined with certainty at this time although we would lean towards a more benign role for this variant. This variant is classified as likely benign.